The following is an entry in ClinVar:

NM_001127198.5(TMC6):c.1535+6T>C

Gene: TMC6 (transmembrane channel like 6; minus strand). Cytogenetic location: 17q25.3.
Variant type: single nucleotide variant.
Coding change: c.1535+6T>C on transcript NM_001127198.5 (MANE Select); 6 bases into the intron after coding-DNA position 1535, T replaced by C.
Molecular consequence: intron variant.
Genome position (GRCh38, 1-based): chr17:78,121,007, A>G on the plus strand (T>C on the coding strand, the complement: TMC6 is on the minus strand). VCF-style: chr17-78121007-A-G. GRCh37 (hg19) VCF-style: chr17-76117088-A-G.
Other names: c.1535+6T>C (NM_001374594.1, NM_001374596.1, NM_001374593.1 and 4 more transcripts).
Identifiers: ClinVar variation 2152721 (VCV002152721.3), dbSNP rs763643231, ClinGen allele CA8795718.

ClinVar aggregate classification (germline): Uncertain significance (1 of 4 stars; one submission).

Conditions:
Epidermodysplasia verruciformis. Identifiers: Orphanet 302, MedGen C0014522, MONDO:0009176.

Allele frequency attached by ClinVar (database versions not stated): TOPMed below 0.00001; gnomAD 0.00001; ExAC 0.00003; gnomAD exomes 0.00004.
gnomAD v4.1: 54 of 1,613,306 alleles (0.0033%); highest among the groups gnomAD compares: East Asian, 0.12%; 2 homozygotes.

Submission:

Labcorp Genetics (formerly Invitae), Labcorp
Classification: Uncertain significance for Epidermodysplasia verruciformis. Last evaluated: 2022-04-29. Review status: criteria provided, single submitter. Criteria: Invitae Variant Classification Sherloc (09022015). Collection method: clinical testing. Allele origin: germline.
Comment: This variant has not been reported in the literature in individuals affected with TMC6-related conditions. In summary, the available evidence is currently insufficient to determine the role of this variant in disease. Therefore, it has been classified as a Variant of Uncertain Significance. Variants that disrupt the consensus splice site are a relatively common cause of aberrant splicing (PMID: 17576681, 9536098). Algorithms developed to predict the effect of sequence changes on RNA splicing suggest that this variant may create or strengthen a splice site. This variant is present in population databases (rs763643231, gnomAD 0.02%). This sequence change falls in intron 12 of the TMC6 gene. It does not directly change the encoded amino acid sequence of the TMC6 protein. It affects a nucleotide within the consensus splice site.

Literature cited by the submitters: PubMed 17576681; PubMed 9536098.